The following is an entry in ClinVar:

ClinVar aggregate classification (germline): Uncertain significance. Review status: criteria provided, multiple submitters, no conflicts (2 of 4 stars). 2 submissions from 2 submitters: Uncertain significance (2). Last evaluated 2021-08-27.

Conditions:
Neuronal ceroid lipofuscinosis 1 (CLN1). Also called: CEROID LIPOFUSCINOSIS, NEURONAL, 1, VARIABLE AGE AT ONSET; PPT1-Related Neuronal Ceroid-Lipofuscinosis. Identifiers: Orphanet 228329, MedGen C1850451, MONDO:0009744, OMIM 256730.

Allele frequency attached by ClinVar (database versions not stated): gnomAD exomes 0.00001; gnomAD 0.00004 and 0.00005.
gnomAD v4.1: 15 of 1,614,006 alleles (0.00093%); highest among the groups gnomAD compares: Non-Finnish European, 0.0012%; no homozygotes.

Submissions (2):

Labcorp Genetics (formerly Invitae), Labcorp
Classification: Uncertain significance for Neuronal ceroid lipofuscinosis 1. Last evaluated: 2021-08-27. Review status: criteria provided, single submitter. Criteria: Invitae Variant Classification Sherloc (09022015). Collection method: clinical testing. Allele origin: germline.
Comment: This sequence change replaces serine with phenylalanine at codon 21 of the PPT1 protein (p.Ser21Phe). The serine residue is weakly conserved and there is a large physicochemical difference between serine and phenylalanine. This variant is not present in population databases (ExAC no frequency). This variant has not been reported in the literature in individuals affected with PPT1-related conditions. ClinVar contains an entry for this variant (Variation ID: 206637). Algorithms developed to predict the effect of missense changes on protein structure and function are either unavailable or do not agree on the potential impact of this missense change (SIFT: "Deleterious"; PolyPhen-2: "Benign"; Align-GVGD: "Class C0"). In summary, the available evidence is currently insufficient to determine the role of this variant in disease. Therefore, it has been classified as a Variant of Uncertain Significance.

GeneDx
Classification: Uncertain significance. Last evaluated: 2020-02-24. Review status: criteria provided, single submitter. Criteria: GeneDx Variant Classification Process June 2021. Collection method: clinical testing. Allele origin: germline. Affected: yes.
Comment: In silico analysis supports that this missense variant has a deleterious effect on protein structure/function; Has not been previously published as pathogenic or benign to our knowledge

NM_000310.4(PPT1):c.62C>T (p.Ser21Phe)

Gene: PPT1 (palmitoyl-protein thioesterase 1; minus strand). Cytogenetic location: 1p34.2.
Variant type: single nucleotide variant.
Coding change: c.62C>T on transcript NM_000310.4 (MANE Select); coding-DNA position 62, C replaced by T.
Protein change: p.Ser21Phe; replaces serine 21 with phenylalanine.
Molecular consequence: missense variant.
Genome position (GRCh38, 1-based): chr1:40,097,177, G>A on the plus strand (C>T on the coding strand, the complement: PPT1 is on the minus strand). VCF-style: chr1-40097177-G-A. GRCh37 (hg19) VCF-style: chr1-40562849-G-A.
Other names: p.S21F:TCT>TTT; c.62C>T, p.Ser21Phe (NM_001142604.2, NM_001363695.2); short protein forms S21F.
Identifiers: ClinVar variation 206637 (VCV000206637.9), dbSNP rs796052922, ClinGen allele CA316912.
Genomic context (GRCh38, chr1:40,097,177, plus strand): 5'-ATCCCATGCCAGATCACCAACGGCAGCGGCGCCGGCGGGTCCAGATGCTGCAGCGCCCGA[G>A]AAGCGCAGGTCCATGGCAGGAGAGCCACAGCCAAGAGCCACAGGCAGCCGGGCGACGCCA-3'
Protein context (NP_000301.1, residues 11-31): AVALLPWTCA[Ser21Phe]RALQHLDPPA